The following is an entry in ClinVar:

NM_002691.4(POLD1):c.316G>T (p.Gly106Cys)

Gene: POLD1 (DNA polymerase delta 1, catalytic subunit; plus strand). Cytogenetic location: 19q13.33.
Variant type: single nucleotide variant.
Coding change: c.316G>T on transcript NM_002691.4 (MANE Select); coding-DNA position 316, G replaced by T.
Protein change: p.Gly106Cys; replaces glycine 106 with cysteine.
Molecular consequence: missense variant. On other transcripts: non-coding transcript variant (1).
Genome position (GRCh38, 1-based): chr19:50,399,484, G>T. VCF-style: chr19-50399484-G-T. GRCh37 (hg19) VCF-style: chr19-50902741-G-T.
Other names: c.316G>T, p.Gly106Cys (NM_001256849.1, NM_001308632.1); short protein forms G106C.
Identifiers: ClinVar variation 1373189 (VCV001373189.6), dbSNP rs2122203851, ClinGen allele CA406970714.

ClinVar aggregate classification (germline): Uncertain significance (1 of 4 stars; one submission).

Conditions:
POLD1-related polyposis and colorectal cancer syndrome (CRCS10). Also called: Colorectal cancer, susceptibility to, 10; Colorectal cancer 10; COLORECTAL CANCER, SUSCEPTIBILITY TO, ON CHROMOSOME 19q. Identifiers: Orphanet 220460, MedGen C2675481, MONDO:0012953, OMIM 612591.

Submission:

Labcorp Genetics (formerly Invitae), Labcorp
Classification: Uncertain significance for POLD1-related polyposis and colorectal cancer syndrome. Last evaluated: 2021-08-07. Review status: criteria provided, single submitter. Criteria: Invitae Variant Classification Sherloc (09022015). Collection method: clinical testing. Allele origin: germline.
Comment: In summary, the available evidence is currently insufficient to determine the role of this variant in disease. Therefore, it has been classified as a Variant of Uncertain Significance. Variants that disrupt the consensus splice site are a relatively common cause of aberrant splicing (PMID: 17576681, 9536098). Algorithms developed to predict the effect of sequence changes on RNA splicing suggest that this variant may disrupt the consensus splice site. Algorithms developed to predict the effect of missense changes on protein structure and function are either unavailable or do not agree on the potential impact of this missense change (SIFT: "Deleterious"; PolyPhen-2: "Probably Damaging"; Align-GVGD: "Class C0"). This variant has not been reported in the literature in individuals affected with POLD1-related conditions. This variant is not present in population databases (ExAC no frequency). This sequence change replaces glycine with cysteine at codon 106 of the POLD1 protein (p.Gly106Cys). The glycine residue is moderately conserved and there is a large physicochemical difference between glycine and cysteine. This variant also falls at the last nucleotide of exon 3, which is part of the consensus splice site for this exon.

Literature cited by the submitters: PubMed 17576681; PubMed 9536098.